The following is an entry in ClinVar:

NM_021120.4(DLG3):c.116dup (p.Tyr39Ter)

Gene: DLG3 (discs large MAGUK scaffold protein 3; plus strand). Cytogenetic location: Xq13.1.
Variant type: Duplication.
Coding change: c.116dup on transcript NM_021120.4 (MANE Select); coding-DNA position 116, one base duplicated (A; older notation c.116dupA).
Protein change: p.Tyr39Ter; replaces tyrosine 39 with a stop codon.
Molecular consequence: nonsense.
Genome position (GRCh38, 1-based): chrX:70,445,317, A duplicated. VCF-style (leftmost placement, unchanged base first): chrX-70445316-T-TA. GRCh37 (hg19) VCF-style: chrX-69665166-T-TA.
Other names: short protein forms Y39*.
Identifiers: ClinVar variation 2626899 (VCV002626899.1), dbSNP rs2519725056, ClinGen allele CA2582342912.

ClinVar aggregate classification (germline): Likely pathogenic (1 of 4 stars; one submission).

Conditions:
Intellectual developmental disorder, X-linked 90. Also called: DLG3-Related X-Linked Nonsyndromic Mental Retardation; Intellectual disability, X-linked 90. Identifiers: Orphanet 777, MedGen C3275443, MONDO:0010452, OMIM 300850.

Submission:

Greenwood Genetic Center Diagnostic Laboratories, Greenwood Genetic Center
Classification: Likely pathogenic for Intellectual developmental disorder, X-linked 90. Last evaluated: 2023-08-23. Review status: criteria provided, single submitter. Criteria: ACMG Guidelines, 2015. Collection method: clinical testing. Allele origin: germline. Affected: yes.
Comment: PVS1 PM2